The following is an entry in ClinVar:

ClinVar aggregate classification (germline): Likely pathogenic (1 of 4 stars; one submission).

Submission:

CeGaT Center for Human Genetics Tuebingen
Classification: Likely pathogenic. Last evaluated: 2024-10-01. Review status: criteria provided, single submitter. Criteria: CeGaT Center For Human Genetics Tuebingen Variant Classification Criteria Version 2. Collection method: clinical testing. Allele origin: germline. Affected: yes. Observed: 1 variant allele.
Comment: ZMYM2: PVS1:Strong, PM2

NM_197968.4(ZMYM2):c.2349G>A (p.Trp783Ter)

Gene: ZMYM2 (zinc finger MYM-type containing 2; plus strand). Cytogenetic location: 13q12.11.
Variant type: single nucleotide variant.
Coding change: c.2349G>A on transcript NM_197968.4 (MANE Select); coding-DNA position 2349, G replaced by A.
Protein change: p.Trp783Ter; replaces tryptophan 783 with a stop codon.
Molecular consequence: nonsense. On other transcripts: non-coding transcript variant (1).
Genome position (GRCh38, 1-based): chr13:20,051,489, G>A. VCF-style: chr13-20051489-G-A. GRCh37 (hg19) VCF-style: chr13-20625629-G-A.
Other names: c.2349G>A, p.Trp783Ter (NM_003453.6, NM_001190964.4, NM_001190965.4 and 5 more transcripts); c.2154G>A, p.Trp718Ter (NM_001353161.3); c.2088G>A, p.Trp696Ter (NM_001353163.2); short protein forms W696*, W718*, W783*.
Identifiers: ClinVar variation 3389966 (VCV003389966.14).
Genomic context (GRCh38, chr13:20,051,489, plus strand): 5'-TAAGGCTGCAAGGTGTGACTGTTGTAAATCTCAAGGAACTCTTAAAGAGCGAGTTCAGTG[G>A]CGTGGGGAAATGAAACATTTCTGTGATCAACATTGCTTACTGCGTTTCTACTGTCAACAA-3'